The following is an entry in ClinVar:

NM_138383.3(MTSS2):c.347A>C (p.Lys116Thr)

Gene: MTSS2 (MTSS I-BAR domain containing 2; minus strand). Cytogenetic location: 16q22.1.
Variant type: single nucleotide variant.
Coding change: c.347A>C on transcript NM_138383.3 (MANE Select); coding-DNA position 347, A replaced by C.
Protein change: p.Lys116Thr; replaces lysine 116 with threonine.
Molecular consequence: missense variant.
Genome position (GRCh38, 1-based): chr16:70,679,821, T>G on the plus strand (A>C on the coding strand, the complement: MTSS2 is on the minus strand). VCF-style: chr16-70679821-T-G. GRCh37 (hg19) VCF-style: chr16-70713724-T-G.
Other names: short protein forms K116T.
Identifiers: ClinVar variation 3731044 (VCV003731044.2).
Genomic context (GRCh38, chr16:70,679,821, plus strand): 5'-AAGCCCGGCTCCGCGCCACCCTCACCTTTCGCGTGGTCCTTGTCCAGCTGGTTGGCCGCC[T>G]TCTTCCAGTCCTCGATGCGCTCCTGCAGCGGGTTGATGAGGCTCTCCAGCAGTGCGCTGC-3'
Protein context (NP_612392.1, residues 106-126): PLQERIEDWK[Lys116Thr]AANQLDKDHA

ClinVar aggregate classification (germline): Uncertain significance (1 of 4 stars; one submission).

Submission:

GeneDx
Classification: Uncertain significance. Last evaluated: 2026-10-11. Review status: criteria provided, single submitter. Criteria: GeneDx Variant Classification Process June 2021. Collection method: clinical testing. Allele origin: germline.
Comment: Not observed at significant frequency in large population cohorts (gnomAD); In silico analysis supports that this missense variant has a deleterious effect on protein structure/function; Has not been previously published as pathogenic or benign to our knowledge